The following is an entry in ClinVar:

ClinVar aggregate classification (germline): Likely pathogenic (1 of 4 stars; one submission).

Conditions:
Vitelliform macular dystrophy 2. Also called: Best Macular Dystrophy; MACULAR DEGENERATION, POLYMORPHIC VITELLINE; VITELLIFORM MACULAR DYSTROPHY, EARLY-ONSET; VITELLIFORM MACULAR DYSTROPHY, JUVENILE-ONSET; Best Vitelliform Macular Dystrophy (BVMD); Best vitelliform macular dystrophy, multifocal. Identifiers: Orphanet 1243, MedGen C2745945, MONDO:0007931, OMIM 153700.

Submission:

MAGI'S LAB - Medical Genetics Laboratory, MAGI GROUP
Classification: Likely pathogenic for Vitelliform macular dystrophy 2. Last evaluated: 2018-05-08. Review status: criteria provided, single submitter. Criteria: ACMG Guidelines, 2015. Collection method: clinical testing. Allele origin: paternal. Inheritance: Autosomal dominant inheritance. Affected: yes. Observed: 1 variant allele, 1 heterozygote.
Comment: Application of ACMG guidelines: PM2, absent from controls (or at extremely low frequency if recessive) in Exome Sequencing Project, 1000 Genomes Project, or Exome Aggregation Consortium; PM5, novel missense change at an amino acid residue where a different missense change determined to be pathogenic has been seen before; PP1, cosegregation with disease in multiple affected family members in a gene definitely known to cause the disease. PP3, multiple lines of computational evidence support a deleterious effect on the gene or gene product (conservation, evolutionary, splicing impact, etc.). In summary, the p.(Glu292Gln) variant meets the ACMG criteria to be classified as likely pathogenic.

NM_004183.4(BEST1):c.874G>C (p.Glu292Gln)

Gene: BEST1 (bestrophin 1; plus strand). Cytogenetic location: 11q12.3.
Variant type: single nucleotide variant.
Coding change: c.874G>C on transcript NM_004183.4 (MANE Select); coding-DNA position 874, G replaced by C.
Protein change: p.Glu292Gln; replaces glutamic acid 292 with glutamine.
Molecular consequence: missense variant. On other transcripts: non-coding transcript variant (1), intron variant (1).
Genome position (GRCh38, 1-based): chr11:61,959,504, G>C. VCF-style: chr11-61959504-G-C. GRCh37 (hg19) VCF-style: chr11-61726976-G-C.
Other names: c.694G>C, p.Glu232Gln (NM_001139443.3, NM_001300787.2); c.556G>C, p.Glu186Gln (NM_001363591.3); c.1077G>C, p.Gln359His (NM_001363592.2); c.-99G>C (NM_001363593.3); c.688-388G>C (NM_001300786.2); short protein forms E292Q, E232Q, E186Q, Q359H.
Identifiers: ClinVar variation 544678 (VCV000544678.2), dbSNP rs886039311, ClinGen allele CA380843621.
Genomic context (GRCh38, chr11:61,959,504, plus strand): 5'-GCTGGCTTTGAGGAGTTCTGCCTGAGGGTTTACAGAGCCTCACCTGTCCCCAAGGTGGCA[G>C]AGCAGCTCATCAACCCCTTTGGAGAGGATGATGATGATTTTGAGACCAACTGGATTGTCG-3'
Protein context (NP_004174.1, residues 282-302): FFYVGWLKVA[Glu292Gln]QLINPFGEDD